The following is an entry in ClinVar:

NM_006440.5(TXNRD2):c.774G>C (p.Gln258His)

Gene: TXNRD2 (thioredoxin reductase 2; minus strand). Cytogenetic location: 22q11.21.
Variant type: single nucleotide variant.
Coding change: c.774G>C on transcript NM_006440.5 (MANE Select); coding-DNA position 774, G replaced by C.
Protein change: p.Gln258His; replaces glutamine 258 with histidine.
Molecular consequence: missense variant. On other transcripts: non-coding transcript variant (1).
Genome position (GRCh38, 1-based): chr22:19,898,039, C>G on the plus strand (G>C on the coding strand, the complement: TXNRD2 is on the minus strand). VCF-style: chr22-19898039-C-G. GRCh37 (hg19) VCF-style: chr22-19885562-C-G.
Other names: c.774G>C, p.Gln258His (NM_001282512.3); c.771G>C, p.Gln257His (NM_001352300.2); c.684G>C, p.Gln228His (NM_001352301.2); c.486G>C, p.Gln162His (NM_001352302.2); c.678G>C, p.Gln226His (NM_001352303.2); short protein forms Q162H, Q257H, Q258H, Q226H, Q228H.
Identifiers: ClinVar variation 4762002 (VCV004762002.1).

ClinVar aggregate classification (germline): Uncertain significance (1 of 4 stars; one submission).

Conditions:
Primary dilated cardiomyopathy (DCM). Also called: Dilated Cardiomyopathy. Identifiers: Orphanet 217604, MedGen C0007193, MeSH D002311, MONDO:0005021, HP:0001644. Inheritance: Various modes of inheritance.

Submission:

Labcorp Genetics (formerly Invitae), Labcorp
Classification: Uncertain significance for Primary dilated cardiomyopathy. Last evaluated: 2025-06-20. Review status: criteria provided, single submitter. Criteria: Invitae Variant Classification Sherloc (09022015). Collection method: clinical testing. Allele origin: germline.
Comment: This sequence change replaces glutamine, which is neutral and polar, with histidine, which is basic and polar, at codon 258 of the TXNRD2 protein (p.?). This variant also falls at the last nucleotide of exon 10, which is part of the consensus splice site for this exon. This variant is not present in population databases (gnomAD no frequency). This variant has not been reported in the literature in individuals affected with TXNRD2-related conditions. An algorithm developed to predict the effect of missense changes on protein structure and function (PolyPhen-2) suggests that this variant is likely to be disruptive. Variants that disrupt the consensus splice site are a relatively common cause of aberrant splicing (PMID: 17576681, 9536098). Algorithms developed to predict the effect of sequence changes on RNA splicing suggest that this variant may disrupt the consensus splice site. In summary, the available evidence is currently insufficient to determine the role of this variant in disease. Therefore, it has been classified as a Variant of Uncertain Significance.

Literature cited by the submitters: PubMed 17576681; PubMed 9536098.